The following is an entry in ClinVar:

ClinVar aggregate classification (germline): Likely benign. Review status: criteria provided, single submitter (1 of 4 stars). 2 submissions from 2 submitters: Likely benign (1). 1 of the submissions does not count toward it. Last evaluated 2025-12-20.

Conditions:
BUB1B-related disorder. Also called: BUB1B-related condition.
Mosaic variegated aneuploidy syndrome 1 (MVA1). Also called: Warburton-Anyane-Yeboa syndrome. Identifiers: Orphanet 1052, MedGen C1850343, MONDO:0009759, OMIM 257300.

gnomAD v4.1: 11 of 1,612,504 alleles (0.00068%); highest among the groups gnomAD compares: Admixed American, 0.018%; no homozygotes.

Submissions (2):

Labcorp Genetics (formerly Invitae), Labcorp
Classification: Likely benign for Mosaic variegated aneuploidy syndrome 1. Last evaluated: 2025-12-20. Review status: criteria provided, single submitter. Criteria: Invitae Variant Classification Sherloc (09022015). Collection method: clinical testing. Allele origin: germline.

PreventionGenetics, part of Exact Sciences
Classification: Likely benign for BUB1B-related condition. Last evaluated: 2024-08-16. Review status: no assertion criteria provided. Collection method: clinical testing. Allele origin: germline. Not counted in ClinVar's aggregate classification.
Comment: This variant is classified as likely benign based on ACMG/AMP sequence variant interpretation guidelines (Richards et al. 2015 PMID: 25741868, with internal and published modifications).

NM_001211.6(BUB1B):c.1289-4C>T

Gene: BUB1B (BUB1 mitotic checkpoint serine/threonine kinase B; plus strand). Cytogenetic location: 15q15.1.
Variant type: single nucleotide variant.
Coding change: c.1289-4C>T on transcript NM_001211.6 (MANE Select); 4 bases into the intron before coding-DNA position 1289, C replaced by T.
Molecular consequence: intron variant.
Genome position (GRCh38, 1-based): chr15:40,199,611, C>T. VCF-style: chr15-40199611-C-T. GRCh37 (hg19) VCF-style: chr15-40491812-C-T.
Identifiers: ClinVar variation 3351014 (VCV003351014.2).
Genomic context (GRCh38, chr15:40,199,611, plus strand): 5'-GGCAGTTTTTGACAGAATGAGTTACTATGAGGAATAATACCTCAAGCAACTTTACTGTTT[C>T]TAGCCGAGCTATTGACCAGTGCAGAGAAGAGAGCAGAAATGCAGAAACAGATTGAAGAGA-3'